The following is an entry in ClinVar:

ClinVar aggregate classification (germline): Likely pathogenic (1 of 4 stars; one submission).

Conditions:
Arrhythmogenic right ventricular dysplasia 10. Also called: Arrhythmogenic Right Ventricular Dysplasia/Cardiomyopathy10; ARRHYTHMOGENIC RIGHT VENTRICULAR DYSPLASIA, FAMILIAL, 10; Arrhythmogenic right ventricular dysplasia/cardiomyopathy, type 10. Identifiers: MedGen C1857777, MONDO:0012434, OMIM 610193.

Submission:

Labcorp Genetics (formerly Invitae), Labcorp
Classification: Likely pathogenic for Arrhythmogenic right ventricular dysplasia 10. Last evaluated: 2021-04-16. Review status: criteria provided, single submitter. Criteria: Invitae Variant Classification Sherloc (09022015). Collection method: clinical testing. Allele origin: germline.
Comment: In summary, the currently available evidence indicates that the variant is pathogenic, but additional data are needed to prove that conclusively. Therefore, this variant has been classified as Likely Pathogenic. This variant disrupts the p.Arg49 amino acid residue in DSG2. Other variant(s) that disrupt this residue have been determined to be pathogenic (PMID: 19151369, 28472724). This suggests that this residue is clinically significant, and that variants that disrupt this residue are likely to be disease-causing. This variant has not been reported in the literature in individuals with DSG2-related conditions. This variant is a gross deletion of the genomic region encompassing exon(s) 3 of the DSG2 gene. This variant would be expected to be in-frame, preserving the integrity of the reading frame.

Literature cited by the submitters: PubMed 19151369; PubMed 28472724.

NC_000018.9:g.(?_29099325)_(29099910_?)del

Gene: DSG2 (desmoglein 2; plus strand). Cytogenetic location: 18q12.1.
Variant type: Deletion.
Identifiers: ClinVar variation 1506638 (VCV001506638.6).